The following is an entry in ClinVar:

ClinVar aggregate classification (germline): Uncertain significance (0 of 4 stars; one submission).

Conditions:
Intellectual developmental disorder, autosomal dominant 1. Also called: Intellectual disability, autosomal dominant 1; MBD5 Haploinsufficiency. Identifiers: Orphanet 228402, MedGen C1969562, MONDO:0007974, OMIM 156200.

Submission:

Undiagnosed Diseases Network, NIH
Classification: Uncertain significance for Intellectual developmental disorder, autosomal dominant 1. Last evaluated: 2022-09-14. Review status: no assertion criteria provided. Collection method: clinical testing. Allele origin: maternal. Affected: yes. Observed: 1 variant allele, 1 homozygote. Study: Undiagnosed Diseases Network (NIH), UDN.

NM_018328.4:c.-925+35305_-557+13791del

Gene: MBD5 (methyl-CpG binding domain protein 5; plus strand).
Variant type: Deletion.
Identifiers: ClinVar variation 1810413 (VCV001810413.3).